The following is an entry in ClinVar:

ClinVar aggregate classification (germline): Conflicting classifications of pathogenicity. Review status: criteria provided, conflicting classifications (1 of 4 stars). 2 submissions from 2 submitters: Uncertain significance (1); Likely benign (1). Last evaluated 2023-07-07.

Conditions:
Norman-Roberts syndrome (LIS2). Also called: Lissencephaly 2 (Norman-Roberts type). Identifiers: Orphanet 89844, MedGen C0796089, MONDO:0009760, OMIM 257320.
Familial temporal lobe epilepsy 7. Identifiers: Orphanet 101046, MedGen C4225327, MONDO:0014639, OMIM 616436.

Allele frequency attached by ClinVar (database versions not stated): gnomAD exomes below 0.00001 and 0.00001; ExAC 0.00001.
gnomAD v4.1: 2 of 1,614,194 alleles (0.00012%); highest among the groups gnomAD compares: East Asian, 0.0022%; no homozygotes.

Submissions (2):

Labcorp Genetics (formerly Invitae), Labcorp
Classification: Likely benign for Familial temporal lobe epilepsy 7; Norman-Roberts syndrome. Last evaluated: 2023-07-07. Review status: criteria provided, single submitter. Criteria: Invitae Variant Classification Sherloc (09022015). Collection method: clinical testing. Allele origin: germline.

CeGaT Center for Human Genetics Tuebingen
Classification: Uncertain significance. Last evaluated: 2022-08-01. Review status: criteria provided, single submitter. Criteria: CeGaT Center For Human Genetics Tuebingen Variant Classification Criteria Version 2. Collection method: clinical testing. Allele origin: germline. Affected: yes. Observed: 1 variant allele.
Comment: RELN: PP3

NM_005045.4(RELN):c.10267G>A (p.Val3423Met)

Genes: RELN (reelin; minus strand), SLC26A5-AS1 (SLC26A5 antisense RNA 1; plus strand). Cytogenetic location: 7q22.1.
Variant type: single nucleotide variant.
Coding change: c.10267G>A on transcript NM_005045.4 (MANE Select); coding-DNA position 10267, G replaced by A.
Protein change: p.Val3423Met; replaces valine 3423 with methionine.
Molecular consequence: missense variant.
Genome position (GRCh38, 1-based): chr7:103,482,886, C>T on the plus strand (G>A on the coding strand, the complement: RELN is on the minus strand). VCF-style: chr7-103482886-C-T. GRCh37 (hg19) VCF-style: chr7-103123333-C-T.
Other names: c.10267G>A, p.Val3423Met (NM_173054.3); short protein forms V3423M.
Identifiers: ClinVar variation 1023132 (VCV001023132.32), dbSNP rs758485261, ClinGen allele CA4420007.
Genomic context (GRCh38, chr7:103,482,886, plus strand): 5'-CAAACCTTCCTGAAATGGACATGGGATGCCATGTAATAGATACTCACAGGACGACCTCCA[C>T]ATGGTCCAAAGCCCATTGATCATGACCTGTTCCATTGTGGCGTGGTTGCCACCAGCGCAG-3'
Protein context (NP_005036.2, residues 3413-3433): TGHDQWALDH[Val3423Met]EVVLVSTRKQ